The following is an entry in ClinVar:

NM_005529.7(HSPG2):c.1834G>A (p.Gly612Ser)

Gene: HSPG2 (heparan sulfate proteoglycan 2; minus strand). Cytogenetic location: 1p36.12.
Variant type: single nucleotide variant.
Coding change: c.1834G>A on transcript NM_005529.7 (MANE Select); coding-DNA position 1834, G replaced by A.
Protein change: p.Gly612Ser; replaces glycine 612 with serine.
Molecular consequence: missense variant.
Genome position (GRCh38, 1-based): chr1:21,880,820, C>T on the plus strand (G>A on the coding strand, the complement: HSPG2 is on the minus strand). VCF-style: chr1-21880820-C-T. GRCh37 (hg19) VCF-style: chr1-22207313-C-T.
Other names: c.1837G>A, p.Gly613Ser (NM_001291860.2); short protein forms G612S, G613S.
Identifiers: ClinVar variation 811995 (VCV000811995.17), dbSNP rs768946900, ClinGen allele CA673266.

ClinVar aggregate classification (germline): Uncertain significance. Review status: criteria provided, multiple submitters, no conflicts (2 of 4 stars). 5 submissions from 5 submitters: Uncertain significance (5). Last evaluated 2025-07-15.

Conditions:
Inborn genetic diseases. Identifiers: MedGen C0950123, MeSH D030342.
Lethal Kniest-like syndrome (DDSH). Also called: Dyssegmental Dysplasia. Identifiers: Orphanet 1865, MedGen C1857100, MONDO:0009140, OMIM 224410.

Allele frequency attached by ClinVar (database versions not stated): gnomAD 0.00003; TOPMed 0.00010.
gnomAD v4.1: 31 of 1,594,192 alleles (0.0019%); highest among the groups gnomAD compares: Admixed American, 0.019%; no homozygotes.

Submissions (5):

Ambry Genetics
Classification: Uncertain significance for Inborn genetic diseases. Last evaluated: 2025-07-15. Review status: criteria provided, single submitter. Criteria: Ambry Variant Classification Scheme 2023. Collection method: clinical testing. Allele origin: germline.

Labcorp Genetics (formerly Invitae), Labcorp
Classification: Uncertain significance. Last evaluated: 2022-05-03. Review status: criteria provided, single submitter. Criteria: Invitae Variant Classification Sherloc (09022015). Collection method: clinical testing. Allele origin: germline.
Comment: This sequence change replaces glycine, which is neutral and non-polar, with serine, which is neutral and polar, at codon 612 of the HSPG2 protein (p.Gly612Ser). This variant is present in population databases (rs768946900, gnomAD 0.02%). This variant has not been reported in the literature in individuals affected with HSPG2-related conditions. ClinVar contains an entry for this variant (Variation ID: 811995). Algorithms developed to predict the effect of missense changes on protein structure and function are either unavailable or do not agree on the potential impact of this missense change (SIFT: "Tolerated"; PolyPhen-2: "Probably Damaging"; Align-GVGD: "Class C0"). Algorithms developed to predict the effect of sequence changes on RNA splicing suggest that this variant may create or strengthen a splice site. In summary, the available evidence is currently insufficient to determine the role of this variant in disease. Therefore, it has been classified as a Variant of Uncertain Significance.

ARUP Laboratories, Molecular Genetics and Genomics, ARUP Laboratories
Classification: Uncertain significance. Last evaluated: 2020-01-20. Review status: criteria provided, single submitter. Criteria: ARUP Molecular Germline Variant Investigation Process. Collection method: clinical testing. Allele origin: germline.
Comment: The HSPG2 c.1834G>A; p.Gly612Ser variant (rs768946900), to our knowledge, is not described in the medical literature or in gene-specific databases. It is observed in the general population at a low overall frequency of 0.006% (15/248366 alleles) in the Genome Aggregation Database. The glycine at codon 612 is moderately conserved, and computational algorithms (PolyPhen-2, SIFT) predict that this variant is deleterious. Additionally, computational splicing programs (Alamut v.2.11) predict that this variant may introduce a cryptic acceptor splice site; however, mRNA studies are necessary in order to determine the effect this variant has on splicing, if any. Due to the lack of clinical and functional data regarding this variant, its clinical significance cannot be determined with certainty.

Baylor Genetics
Classification: Uncertain significance for Lethal Kniest-like syndrome. Last evaluated: 2019-10-25. Review status: criteria provided, single submitter. Criteria: ACMG Guidelines, 2015. Collection method: clinical testing. Allele origin: unknown. Affected: yes.
Comment: This variant was determined to be of uncertain significance according to ACMG Guidelines, 2015 [PMID:25741868].

GeneDx
Classification: Uncertain significance. Last evaluated: 2019-07-17. Review status: criteria provided, single submitter. Criteria: GeneDx Variant Classification Process June 2021. Collection method: clinical testing. Allele origin: germline. Affected: yes.
Comment: In silico analysis, which includes protein predictors and evolutionary conservation, supports a deleterious effect; Has not been previously published as pathogenic or benign to our knowledge